The following is an entry in ClinVar:

ClinVar aggregate classification (germline): Uncertain significance (1 of 4 stars; one submission).

Conditions:
RASopathy. Also called: Noonan spectrum disorder; rasopathies. Identifiers: Orphanet 536391, MedGen C5555857, MONDO:0021060.

Submission:

Labcorp Genetics (formerly Invitae), Labcorp
Classification: Uncertain significance for RASopathy. Last evaluated: 2025-10-27. Review status: criteria provided, single submitter. Criteria: Invitae Variant Classification Sherloc (09022015). Collection method: clinical testing. Allele origin: germline.
Comment: This sequence change replaces alanine, which is neutral and non-polar, with glycine, which is neutral and non-polar, at codon 246 of the BRAF protein (p.Ala246Gly). This variant is not present in population databases (gnomAD no frequency). This variant has not been reported in the literature in individuals affected with BRAF-related conditions. Invitae Evidence Modeling of protein sequence and biophysical properties (such as structural, functional, and spatial information, amino acid conservation, physicochemical variation, residue mobility, and thermodynamic stability) indicates that this missense variant is not expected to disrupt BRAF protein function with a negative predictive value of 80%. This variant disrupts the p.Ala246 amino acid residue in BRAF. Other variant(s) that disrupt this residue have been determined to be pathogenic (PMID: 16474404, 20523244, 28911804). This suggests that this residue is clinically significant, and that variants that disrupt this residue are likely to be disease-causing. In summary, the available evidence is currently insufficient to determine the role of this variant in disease. Therefore, it has been classified as a Variant of Uncertain Significance.

Literature cited by the submitters: PubMed 16474404; PubMed 20523244; PubMed 28911804.

NM_004333.6(BRAF):c.737C>G (p.Ala246Gly)

Gene: BRAF (B-Raf proto-oncogene, serine/threonine kinase; minus strand). Cytogenetic location: 7q34.
Variant type: single nucleotide variant.
Coding change: c.737C>G on transcript NM_004333.6 (MANE Select); coding-DNA position 737, C replaced by G.
Protein change: p.Ala246Gly; replaces alanine 246 with glycine.
Molecular consequence: missense variant.
Genome position (GRCh38, 1-based): chr7:140,801,535, G>C on the plus strand (C>G on the coding strand, the complement: BRAF is on the minus strand). VCF-style: chr7-140801535-G-C. GRCh37 (hg19) VCF-style: chr7-140501335-G-C.
Other names: c.737C>G, p.Ala246Gly (NM_001354609.2, NM_001374244.1, NM_001374258.1 and 4 more transcripts); c.746C>G, p.Ala249Gly (NM_001378467.1); c.635C>G, p.Ala212Gly (NM_001378470.1); c.581C>G, p.Ala194Gly (NM_001378472.1, NM_001378473.1); c.473C>G, p.Ala158Gly (NM_001378475.1); short protein forms A158G, A194G, A246G, A212G, A249G.
Identifiers: ClinVar variation 4740897 (VCV004740897.1).
Genomic context (GRCh38, chr7:140,801,535, plus strand): 5'-TAACCACATGTTTGACAGCGGAAACCCTGGAAAAGCAGCTTTCGACAAAAGTCACAAAAT[G>C]CTAAGGTGAAAAACGTTTTTCGTACCTGCAAAGTAAAAAATCACAGAGATTTCAAAAACT-3'
Protein context (NP_004324.2, residues 236-256): NFVRKTFFTL[Ala246Gly]FCDFCRKLLF